The following is an entry in ClinVar:

NM_003024.3(ITSN1):c.2772G>A (p.Trp924Ter)

Gene: ITSN1 (intersectin 1; plus strand). Cytogenetic location: 21q22.11.
Variant type: single nucleotide variant.
Coding change: c.2772G>A on transcript NM_003024.3 (MANE Select); coding-DNA position 2772, G replaced by A.
Protein change: p.Trp924Ter; replaces tryptophan 924 with a stop codon.
Molecular consequence: nonsense.
Genome position (GRCh38, 1-based): chr21:33,818,311, G>A. VCF-style: chr21-33818311-G-A. GRCh37 (hg19) VCF-style: chr21-35190615-G-A.
Other names: c.2772G>A, p.Trp924Ter (NM_001001132.2, NM_001331008.2); c.2757G>A, p.Trp919Ter (NM_001331009.2, NM_001331010.2, NM_001331011.2); c.2646G>A, p.Trp882Ter (NM_001331012.2); short protein forms W882*, W919*, W924*.
Identifiers: ClinVar variation 2429074 (VCV002429074.4), dbSNP rs2518087570, ClinGen allele CA410143591.

ClinVar aggregate classification (germline): Likely pathogenic (1 of 4 stars; one submission).

Conditions:
Neurodevelopmental disorder. Identifiers: MedGen C1535926, MeSH D065886, MONDO:0700092.

Submission:

Greenwood Genetic Center Diagnostic Laboratories, Greenwood Genetic Center
Classification: Likely pathogenic for Neurodevelopmental disorder. Last evaluated: 2022-10-14. Review status: criteria provided, single submitter. Criteria: ACMG Guidelines, 2015. Collection method: clinical testing. Allele origin: germline. Affected: yes.
Comment: PVS1, PM2